The following is an entry in ClinVar:

NM_033026.6(PCLO):c.13650G>A (p.Met4550Ile)

Gene: PCLO (piccolo presynaptic cytomatrix protein; minus strand). Cytogenetic location: 7q21.11.
Variant type: single nucleotide variant.
Coding change: c.13650G>A on transcript NM_033026.6 (MANE Select); coding-DNA position 13650, G replaced by A.
Protein change: p.Met4550Ile; replaces methionine 4550 with isoleucine.
Molecular consequence: missense variant.
Genome position (GRCh38, 1-based): chr7:82,879,341, C>T on the plus strand (G>A on the coding strand, the complement: PCLO is on the minus strand). VCF-style: chr7-82879341-C-T. GRCh37 (hg19) VCF-style: chr7-82508657-C-T.
Other names: c.13650G>A, p.Met4550Ile (NM_014510.3); short protein forms M4550I.
Identifiers: ClinVar variation 1482665 (VCV001482665.6), dbSNP rs748451395, ClinGen allele CA4319081.
Genomic context (GRCh38, chr7:82,879,341, plus strand): 5'-ATGTATTTAATATGAGTGCATTCATTTTATTTTACTGTAAAATTCCTTATTCTTACCTTC[C>T]ATAAGCTTCCCCGTCTGTTCCGCACTTCCCCCAGGAAGAATCTTGGCAATATAGGCTCCA-3'
Protein context (NP_149015.2, residues 4540-4560): GGSAEQTGKL[Met4550Ile]EGMQVLEWNG

ClinVar aggregate classification (germline): Uncertain significance (1 of 4 stars; one submission).

Allele frequency attached by ClinVar (database versions not stated): gnomAD exomes 0.00001 and 0.00003; TOPMed 0.00001; ExAC 0.00005.
gnomAD v4.1: 15 of 1,607,468 alleles (0.00093%); highest among the groups gnomAD compares: Non-Finnish European, 0.0012%; no homozygotes.

Submission:

Labcorp Genetics (formerly Invitae), Labcorp
Classification: Uncertain significance. Last evaluated: 2021-04-09. Review status: criteria provided, single submitter. Criteria: Invitae Variant Classification Sherloc (09022015). Collection method: clinical testing. Allele origin: germline.
Comment: In summary, the available evidence is currently insufficient to determine the role of this variant in disease. Therefore, it has been classified as a Variant of Uncertain Significance. Algorithms developed to predict the effect of missense changes on protein structure and function output the following: SIFT: "Tolerated"; PolyPhen-2: "Not Available"; Align-GVGD: "Class C0". The isoleucine amino acid residue is found in multiple mammalian species, suggesting that this missense change does not adversely affect protein function. These predictions have not been confirmed by published functional studies and their clinical significance is uncertain. This variant has not been reported in the literature in individuals with PCLO-related conditions. This variant is present in population databases (rs748451395, ExAC 0.01%). This sequence change replaces methionine with isoleucine at codon 4550 of the PCLO protein (p.Met4550Ile). The methionine residue is weakly conserved and there is a small physicochemical difference between methionine and isoleucine.